The following is an entry in ClinVar:

NM_000540.3(RYR1):c.13514+202dup

Gene: RYR1 (ryanodine receptor 1; plus strand). Cytogenetic location: 19q13.2.
Variant type: Duplication.
Coding change: c.13514+202dup on transcript NM_000540.3 (MANE Select); 202 bases into the intron after coding-DNA position 13514, one base duplicated (A; older notation c.13514+202dupA).
Molecular consequence: intron variant.
Genome position (GRCh38, 1-based): chr19:38,567,189, A duplicated; the last of 10 consecutive A bases (chr19:38,567,180-38,567,189); duplicating any one gives the same sequence. VCF-style (leftmost placement, unchanged base first): chr19-38567179-T-TA. GRCh37 (hg19) VCF-style: chr19-39057819-T-TA.
Other names: c.13499+202dup (NM_001042723.2).
Identifiers: ClinVar variation 4851844 (VCV004851844.1).

ClinVar aggregate classification (germline): Likely benign (1 of 4 stars; one submission).

Submission:

Dasa
Classification: Likely benign. Last evaluated: 2025-12-29. Review status: criteria provided, single submitter. Criteria: DASA Assertion Criteria. Collection method: clinical testing. Allele origin: germline.
Comment: NM_000540.3(RYR1):c.13514+202dup affects a canonical splice site and is predicted to disrupt normal RNA splicing, leading to loss of normal protein function. Loss-of-function is an established mechanism of disease for this gene. The variant is present at low frequency in population datasets. Based on the available data, this variant is classified as likely benign.